The following is an entry in ClinVar:

ClinVar aggregate classification (germline): Uncertain significance. Review status: criteria provided, multiple submitters, no conflicts (2 of 4 stars). 2 submissions from 2 submitters: Uncertain significance (2). Last evaluated 2023-12-05.

Conditions:
Inborn genetic diseases. Identifiers: MedGen C0950123, MeSH D030342.

Allele frequency attached by ClinVar (database versions not stated): gnomAD exomes below 0.00001.
gnomAD v4.1: 4 of 1,613,966 alleles (0.00025%); highest among the groups gnomAD compares: Non-Finnish European, 0.00034%; no homozygotes.

Submissions (2):

GeneDx
Classification: Uncertain significance. Last evaluated: 2023-12-05. Review status: criteria provided, single submitter. Criteria: GeneDx Variant Classification Process June 2021. Collection method: clinical testing. Allele origin: germline. Affected: yes.
Comment: Not observed at significant frequency in large population cohorts (gnomAD); In silico analysis supports that this missense variant has a deleterious effect on protein structure/function; Has not been previously published as pathogenic or benign to our knowledge

Ambry Genetics
Classification: Uncertain significance for Inborn genetic diseases. Last evaluated: 2023-01-06. Review status: criteria provided, single submitter. Criteria: Ambry Variant Classification Scheme 2023. Collection method: clinical testing. Allele origin: germline.

NM_001378414.1(HDAC4):c.2176C>G (p.Leu726Val)

Gene: HDAC4 (histone deacetylase 4; minus strand). Cytogenetic location: 2q37.3.
Variant type: single nucleotide variant.
Coding change: c.2176C>G on transcript NM_001378414.1 (MANE Select); coding-DNA position 2176, C replaced by G.
Protein change: p.Leu726Val; replaces leucine 726 with valine.
Molecular consequence: missense variant.
Genome position (GRCh38, 1-based): chr2:239,102,833, G>C on the plus strand (C>G on the coding strand, the complement: HDAC4 is on the minus strand). VCF-style: chr2-239102833-G-C. GRCh37 (hg19) VCF-style: chr2-240024529-G-C.
Other names: c.2176C>G, p.Leu726Val (NM_001378415.1); c.2161C>G, p.Leu721Val (NM_001378416.1, NM_001378417.1, NM_006037.4); short protein forms L721V, L726V.
Identifiers: ClinVar variation 2474013 (VCV002474013.3), dbSNP rs2471206708, ClinGen allele CA351267663.